The following is an entry in ClinVar:

NM_006415.4(SPTLC1):c.1213C>T (p.Arg405Cys)

Gene: SPTLC1 (serine palmitoyltransferase long chain base subunit 1; minus strand). Cytogenetic location: 9q22.31.
Variant type: single nucleotide variant.
Coding change: c.1213C>T on transcript NM_006415.4 (MANE Select); coding-DNA position 1213, C replaced by T.
Protein change: p.Arg405Cys; replaces arginine 405 with cysteine.
Molecular consequence: missense variant.
Genome position (GRCh38, 1-based): chr9:92,038,289, G>A on the plus strand (C>T on the coding strand, the complement: SPTLC1 is on the minus strand). VCF-style: chr9-92038289-G-A. GRCh37 (hg19) VCF-style: chr9-94800571-G-A.
Other names: c.1213C>T, p.Arg405Cys (NM_001281303.2); c.847C>T, p.Arg283Cys (NM_001368272.1); c.748C>T, p.Arg250Cys (NM_001368273.1); c.1213C>T (NM_006415.2); short protein forms R405C, R250C, R283C.
Identifiers: ClinVar variation 526705 (VCV000526705.10), dbSNP rs745684683, ClinGen allele CA5121281.

ClinVar aggregate classification (germline): Conflicting classifications of pathogenicity. Review status: criteria provided, conflicting classifications (1 of 4 stars). 4 submissions from 4 submitters: Uncertain significance (3); Likely benign (1). Last evaluated 2025-03-24.

Conditions:
Hereditary sensory and autonomic neuropathy type 1 (HSAN1). Also called: HSAN 1; HSN Type I; Hereditary Sensory Neuropathy Type I. Identifiers: Orphanet 36386, MedGen C0020071, MONDO:0018213.
Inborn genetic diseases. Identifiers: MedGen C0950123, MeSH D030342.

Allele frequency attached by ClinVar (database versions not stated): gnomAD 0.00005 and 0.00004; ExAC 0.00001; TOPMed 0.00005; gnomAD exomes 0.00002.

Submissions (4):

GeneDx
Classification: Likely benign. Last evaluated: 2025-03-24. Review status: criteria provided, single submitter. Criteria: GeneDx Variant Classification Process June 2021. Collection method: clinical testing. Allele origin: germline. Affected: yes.
Comment: See Variant Classification Assertion Criteria.

Labcorp Genetics (formerly Invitae), Labcorp
Classification: Uncertain significance for Hereditary sensory and autonomic neuropathy type 1. Last evaluated: 2023-10-13. Review status: criteria provided, single submitter. Criteria: Invitae Variant Classification Sherloc (09022015). Collection method: clinical testing. Allele origin: germline.
Comment: This sequence change replaces arginine, which is basic and polar, with cysteine, which is neutral and slightly polar, at codon 405 of the SPTLC1 protein (p.Arg405Cys). This variant is present in population databases (rs745684683, gnomAD 0.005%). This missense change has been observed in individual(s) with clinical features of hereditary sensory and autonomic neuropathy (Invitae). ClinVar contains an entry for this variant (Variation ID: 526705). Advanced modeling of protein sequence and biophysical properties (such as structural, functional, and spatial information, amino acid conservation, physicochemical variation, residue mobility, and thermodynamic stability) has been performed at Invitae for this missense variant, however the output from this modeling did not meet the statistical confidence thresholds required to predict the impact of this variant on SPTLC1 protein function. In summary, the available evidence is currently insufficient to determine the role of this variant in disease. Therefore, it has been classified as a Variant of Uncertain Significance.

Ambry Genetics
Classification: Uncertain significance for Inborn genetic diseases. Last evaluated: 2023-06-26. Review status: criteria provided, single submitter. Criteria: Ambry Variant Classification Scheme 2023. Collection method: clinical testing. Allele origin: germline.

Breakthrough Genomics
Classification: Uncertain significance. Review status: criteria provided, single submitter. Criteria: ACMG Guidelines, 2015. Collection method: not provided. Allele origin: germline. Inheritance: Autosomal recessive inheritance. Affected: yes.